The following is an entry in ClinVar:

NM_001170629.2(CHD8):c.2263C>T (p.Pro755Ser)

Gene: CHD8 (chromodomain helicase DNA binding protein 8; minus strand). Cytogenetic location: 14q11.2.
Variant type: single nucleotide variant.
Coding change: c.2263C>T on transcript NM_001170629.2 (MANE Select); coding-DNA position 2263, C replaced by T.
Protein change: p.Pro755Ser; replaces proline 755 with serine.
Molecular consequence: missense variant.
Genome position (GRCh38, 1-based): chr14:21,409,952, G>A on the plus strand (C>T on the coding strand, the complement: CHD8 is on the minus strand). VCF-style: chr14-21409952-G-A. GRCh37 (hg19) VCF-style: chr14-21878111-G-A.
Other names: c.1426C>T, p.Pro476Ser (NM_020920.4); c.2263C>T (NM_001170629.1); short protein forms P476S, P755S.
Identifiers: ClinVar variation 2440007 (VCV002440007.4), dbSNP rs2501930195, ClinGen allele CA388876649.

ClinVar aggregate classification (germline): Uncertain significance. Review status: criteria provided, multiple submitters, no conflicts (2 of 4 stars). 2 submissions from 2 submitters: Uncertain significance (2). Last evaluated 2026-03-26.

Conditions:
Intellectual developmental disorder with autism and macrocephaly. Also called: Autism, susceptibility to, 18; CHD8-Related Neurodevelopmental Disorder with Overgrowth. Identifiers: Orphanet 642675, MedGen C3554373, MONDO:0014017, OMIM 615032.

Allele frequency attached by ClinVar (database versions not stated): gnomAD exomes below 0.00001.
gnomAD v4.1: 1 of 1,613,248 alleles (0.000062%); highest among the groups gnomAD compares: Non-Finnish European, 0.000085%; no homozygotes.

Submissions (2):

GeneDx
Classification: Uncertain significance. Last evaluated: 2026-03-26. Review status: criteria provided, single submitter. Criteria: GeneDx Variant Classification Process June 2021. Collection method: clinical testing. Allele origin: germline.
Comment: Not observed at significant frequency in large population cohorts (gnomAD); In silico analysis supports that this missense variant has a deleterious effect on protein structure/function; Has not been previously published as pathogenic or benign to our knowledge

Revvity Omics, Revvity
Classification: Uncertain significance for Intellectual developmental disorder with autism and macrocephaly. Last evaluated: 2021-08-11. Review status: criteria provided, single submitter. Criteria: ACMG Guidelines, 2015. Collection method: clinical testing. Allele origin: germline.